The following is an entry in ClinVar:

NM_001042492.3(NF1):c.6591_6593delinsAT (p.Phe2197fs)

Gene: NF1 (neurofibromin 1; plus strand). Cytogenetic location: 17q11.2.
Variant type: Indel.
Coding change: c.6591_6593delinsAT on transcript NM_001042492.3 (MANE Select); coding-DNA positions 6591 to 6593, TGC replaced by AT.
Protein change: p.Phe2197fs; shifts the reading frame from phenylalanine 2197.
Molecular consequence: frameshift variant.
Genome position (GRCh38, 1-based): chr17:31,337,531-31,337,533, TGC replaced by AT. VCF-style: chr17-31337531-TGC-AT. GRCh37 (hg19) VCF-style: chr17-29664549-TGC-AT.
Other names: c.6528_6530delTGCinsAT, p.Phe2176Leufs (NM_000267.4); short protein forms F2176fs, F2197fs.
Identifiers: ClinVar variation 3383183 (VCV003383183.2).
Genomic context (GRCh38, chr17:31,337,531, plus strand): 5'-CTTCCGTTCCAGTTACCGGGACAGGTCATTCTCTCCTGGCTCCTATGAGAGAGAGACTTT[TGC>AT]TTTGACATCCTTGGAAACAGTCACAGAAGCTTTGTTGGAGATCATGGAGGTATAGAAGCC-3'

ClinVar aggregate classification (germline): Pathogenic (1 of 4 stars; one submission).

Conditions:
Neurofibromatosis, type 1 (NF1). Also called: Neurofibromatosis, type I; VON RECKLINGHAUSEN DISEASE; NEUROFIBROMATOSIS, TYPE I, SOMATIC; Peripheral type neurofibromatosis. Identifiers: Orphanet 636, MedGen C0027831, MONDO:0018975, OMIM 162200. Disease mechanism: loss of function.

Submission:

Juno Genomics, Hangzhou Juno Genomics, Inc
Classification: Pathogenic for Neurofibromatosis, type 1. Review status: criteria provided, single submitter. Criteria: ACMG Guidelines, 2015. Collection method: clinical testing. Allele origin: germline. Affected: yes.
Comment: Absent from controls (or at extremely low frequency if recessive) in Genome Aggregation Database, Exome Sequencing Project, 1000 Genomes Project, or Exome Aggregation Consortium.;Null variant in a gene where loss of function (LOF) is a known mechanism of disease.;Patient's phenotype or family history is highly specific for a disease with a single genetic etiology.